The following is an entry in ClinVar:

ClinVar aggregate classification (germline): Pathogenic (1 of 4 stars; one submission).

Submission:

Labcorp Genetics (formerly Invitae), Labcorp
Classification: Pathogenic. Last evaluated: 2022-12-31. Review status: criteria provided, single submitter. Criteria: Invitae Variant Classification Sherloc (09022015). Collection method: clinical testing. Allele origin: germline.
Comment: This sequence change creates a premature translational stop signal (p.Leu573Phefs*11) in the ATR gene. It is expected to result in an absent or disrupted protein product. Loss-of-function variants in ATR are known to be pathogenic (PMID: 21228398, 23144622). This variant is not present in population databases (gnomAD no frequency). This variant has not been reported in the literature in individuals affected with ATR-related conditions. For these reasons, this variant has been classified as Pathogenic.

Literature cited by the submitters: PubMed 21228398; PubMed 23144622.

NM_001184.4(ATR):c.1715dup (p.Leu573fs)

Gene: ATR (ATR checkpoint kinase; minus strand). Cytogenetic location: 3q23.
Variant type: Duplication.
Coding change: c.1715dup on transcript NM_001184.4 (MANE Select); coding-DNA position 1715, one base duplicated (C; older notation c.1715dupC).
Protein change: p.Leu573fs; shifts the reading frame from leucine 573.
Molecular consequence: frameshift variant.
Genome position (GRCh38, 1-based): chr3:142,559,268, G duplicated on the plus strand (C on the coding strand, the reverse complement: ATR is on the minus strand). VCF-style (leftmost placement, unchanged base first): chr3-142559267-A-AG. GRCh37 (hg19) VCF-style: chr3-142278109-A-AG.
Other names: c.1523dup, p.Leu509fs (NM_001354579.2); short protein forms L509fs, L573fs.
Identifiers: ClinVar variation 2783441 (VCV002783441.3), dbSNP rs2473411186, ClinGen allele CA2739280096.
Genomic context (GRCh38, chr3:142,559,267, plus strand): 5'-TTATCTTTAAAGGTTATTCTGATCTGTTGCTAATTTGTACTCACCTTGCATATAAATCAA[A>AG]GCATCATAAATTTTCACCACCTTATCAATGGTTGCCTCCAGGTCCAGTTTCTGAACAGAT-3'